The following is an entry in ClinVar:

NM_003334.4(UBA1):c.411G>A (p.Glu137=)

Gene: UBA1 (ubiquitin like modifier activating enzyme 1; plus strand). Cytogenetic location: Xp11.3.
Variant type: single nucleotide variant.
Coding change: c.411G>A on transcript NM_003334.4 (MANE Select); coding-DNA position 411, G replaced by A.
Protein change: p.Glu137=; no amino-acid change (glutamic acid 137 retained).
Molecular consequence: synonymous variant.
Genome position (GRCh38, 1-based): chrX:47,199,545, G>A. VCF-style: chrX-47199545-G-A. GRCh37 (hg19) VCF-style: chrX-47058944-G-A.
Other names: c.411G>A, p.Glu137= (NM_153280.3).
Identifiers: ClinVar variation 515704 (VCV000515704.10), dbSNP rs782009712, ClinGen allele CA10395672.

ClinVar aggregate classification (germline): Likely benign. Review status: criteria provided, multiple submitters, no conflicts (2 of 4 stars). 3 submissions from 3 submitters: Likely benign (3). Last evaluated 2024-07-21.

Conditions:
Inborn genetic diseases. Identifiers: MedGen C0950123, MeSH D030342.
Infantile-onset X-linked spinal muscular atrophy. Also called: Spinal muscular atrophy, X-linked 2; SPINAL MUSCULAR ATROPHY, X-LINKED LETHAL INFANTILE; ARTHROGRYPOSIS, X-LINKED, TYPE I; AMC, DISTAL, X-LINKED; Spinal Muscular Atrophy, X-Linked Infantile. Identifiers: Orphanet 1145, MedGen C1844934, MONDO:0010532, OMIM 301830.

Allele frequency attached by ClinVar (database versions not stated): ExAC 0.00002; gnomAD exomes 0.00002; gnomAD 0.00004; TOPMed 0.00004.
gnomAD v4.1: 46 of 1,210,022 alleles (0.0038%); highest among the groups gnomAD compares: Middle Eastern, 0.069%; no homozygotes.

Submissions (3):

Labcorp Genetics (formerly Invitae), Labcorp
Classification: Likely benign for Infantile-onset X-linked spinal muscular atrophy. Last evaluated: 2024-07-21. Review status: criteria provided, single submitter. Criteria: Invitae Variant Classification Sherloc (09022015). Collection method: clinical testing. Allele origin: germline.

Ambry Genetics
Classification: Likely benign for Inborn genetic diseases. Last evaluated: 2019-07-11. Review status: criteria provided, single submitter. Criteria: Ambry Variant Classification Scheme 2023. Collection method: clinical testing. Allele origin: germline.

GeneDx
Classification: Likely benign. Last evaluated: 2018-02-28. Review status: criteria provided, single submitter. Criteria: GeneDx Variant Classification (06012015). Collection method: clinical testing. Allele origin: germline. Affected: yes.
Comment: This variant is considered likely benign or benign based on one or more of the following criteria: it is a conservative change, it occurs at a poorly conserved position in the protein, it is predicted to be benign by multiple in silico algorithms, and/or has population frequency not consistent with disease.